The following is an entry in ClinVar:

ClinVar aggregate classification (germline): Uncertain significance (1 of 4 stars; one submission).

Submission:

GeneDx
Classification: Uncertain significance. Last evaluated: 2025-04-17. Review status: criteria provided, single submitter. Criteria: GeneDx Variant Classification Process June 2021. Collection method: clinical testing. Allele origin: germline. Affected: yes.
Comment: Not observed at significant frequency in large population cohorts (gnomAD); In silico analysis indicates that this missense variant does not alter protein structure/function; Has not been previously published as pathogenic or benign to our knowledge

NM_001348323.3(TRIP12):c.4227C>G (p.Phe1409Leu)

Gene: TRIP12 (thyroid hormone receptor interactor 12; minus strand). Cytogenetic location: 2q36.3.
Variant type: single nucleotide variant.
Coding change: c.4227C>G on transcript NM_001348323.3 (MANE Select); coding-DNA position 4227, C replaced by G.
Protein change: p.Phe1409Leu; replaces phenylalanine 1409 with leucine.
Molecular consequence: missense variant.
Genome position (GRCh38, 1-based): chr2:229,792,054, G>C on the plus strand (C>G on the coding strand, the complement: TRIP12 is on the minus strand). VCF-style: chr2-229792054-G-C. GRCh37 (hg19) VCF-style: chr2-230656770-G-C.
Other names: c.4146C>G, p.Phe1382Leu (NM_001284214.2, NM_001348315.2); c.4101C>G, p.Phe1367Leu (NM_001284215.2, NM_001348316.2); c.3192C>G, p.Phe1064Leu (NM_001284216.2); c.4086C>G, p.Phe1362Leu (NM_001348317.1, NM_001348318.2); c.4212C>G, p.Phe1404Leu (NM_001348319.1, NM_001348320.2); c.4215C>G, p.Phe1405Leu (NM_001348321.1); c.4227C>G, p.Phe1409Leu (NM_001348322.1, NM_001348324.2, NM_001348325.2 and 2 more transcripts); c.4230C>G, p.Phe1410Leu (NM_001348328.1, NM_001348329.2, NM_001348330.2); and 4 more; short protein forms F1362L, F1367L, F1375L, F1382L, F1383L, F1404L, F1405L, F1409L.
Identifiers: ClinVar variation 4282317 (VCV004282317.1).
Genomic context (GRCh38, chr2:229,792,054, plus strand): 5'-CGGCAGCAAATGTTCTCCAATATAAAACTGCAGCCTGTGTCTTACATTTCCTGAATTTAG[G>C]AACTGAGCAGCCTGAATAAAGCAAAGCAAAAGCCATTTAAGCCAAAGGCCCTGAACTTTA-3'
Protein context (NP_001335252.1, residues 1399-1419): EEIDESLAAQ[Phe1409Leu]LNSGNVRHRL